The following is an entry in ClinVar:

NM_000531.6(OTC):c.422G>C (p.Arg141Pro)

Gene: OTC (ornithine transcarbamylase; plus strand). Cytogenetic location: Xp11.4.
Variant type: single nucleotide variant.
Coding change: c.422G>C on transcript NM_000531.6 (MANE Select); coding-DNA position 422, G replaced by C.
Protein change: p.Arg141Pro; replaces arginine 141 with proline.
Molecular consequence: missense variant.
Genome position (GRCh38, 1-based): chrX:38,401,310, G>C. VCF-style: chrX-38401310-G-C. GRCh37 (hg19) VCF-style: chrX-38260563-G-C.
Other names: short protein forms R141P.
Identifiers: ClinVar variation 97198 (VCV000097198.3), dbSNP rs68026851, ClinGen allele CA224601.
Genomic context (GRCh38, chrX:38,401,310, plus strand): 5'-TTATCTTTTTCTTGGTTTGCCACAGTGTATTGTCTAGCATGGCAGATGCAGTATTGGCTC[G>C]AGTGTATAAACAATCAGATTTGGACACCCTGGCTAAAGAAGCATCCATCCCAATTATCAA-3'
Protein context (NP_000522.3, residues 131-151): LSSMADAVLA[Arg141Pro]VYKQSDLDTL

ClinVar aggregate classification (germline): Likely pathogenic. Review status: criteria provided, single submitter (1 of 4 stars). 2 submissions from 2 submitters: Likely pathogenic (1). 1 of the submissions does not count toward it. Last evaluated 2019-05-28.

Conditions:
Ornithine carbamoyltransferase deficiency (OTCD). Also called: ORNITHINE TRANSCARBAMYLASE DEFICIENCY, HYPERAMMONEMIA DUE TO; ORNITHINE TRANSCARBAMYLASE DEFICIENCY; OTC DEFICIENCY; Ornithine Carbamoyltransferase Deficiency Disease. Identifiers: Orphanet 664, MedGen C0268542, MONDO:0010703, OMIM 311250.

Allele frequency attached by ClinVar (database versions not stated): ExAC 0.00014.

Submissions (2):

Mendelics
Classification: Likely pathogenic for Ornithine carbamoyltransferase deficiency. Last evaluated: 2019-05-28. Review status: criteria provided, single submitter. Criteria: Mendelics Assertion Criteria 2017. Collection method: clinical testing. Allele origin: unknown.

GenMed Metabolism Lab
Classification: Pathogenic. Review status: no assertion criteria provided. Collection method: not provided. Allele origin: unknown. Not counted in ClinVar's aggregate classification.
ClinVar note: Converted during submission from pathogenic to Pathogenic.